The following is an entry in ClinVar:

ClinVar aggregate classification (germline): Uncertain significance. Review status: criteria provided, multiple submitters, no conflicts (2 of 4 stars). 3 submissions from 3 submitters: Uncertain significance (2). 1 of the submissions does not count toward it. Last evaluated 2022-04-08.

Conditions:
BBS12-related disorder. Also called: BBS12-related condition.
Bardet-Biedl syndrome (BBS). Identifiers: Orphanet 110, MedGen C0752166, MONDO:0015229.

Allele frequency attached by ClinVar (database versions not stated): gnomAD exomes 0.00001.

Submissions (3):

Labcorp Genetics (formerly Invitae), Labcorp
Classification: Uncertain significance for Bardet-Biedl syndrome. Last evaluated: 2022-04-08. Review status: criteria provided, single submitter. Criteria: Invitae Variant Classification Sherloc (09022015). Collection method: clinical testing. Allele origin: germline.
Comment: This sequence change replaces threonine, which is neutral and polar, with proline, which is neutral and non-polar, at codon 458 of the BBS12 protein (p.Thr458Pro). This variant is present in population databases (rs144714398, gnomAD 0.006%). This variant has not been reported in the literature in individuals affected with BBS12-related conditions. Algorithms developed to predict the effect of missense changes on protein structure and function are either unavailable or do not agree on the potential impact of this missense change (SIFT: "Deleterious"; PolyPhen-2: "Probably Damaging"; Align-GVGD: "Class C0"). In summary, the available evidence is currently insufficient to determine the role of this variant in disease. Therefore, it has been classified as a Variant of Uncertain Significance.

Breakthrough Genomics
Classification: Uncertain significance. Review status: criteria provided, single submitter. Criteria: ACMG Guidelines, 2015. Collection method: not provided. Allele origin: germline. Inheritance: Autosomal recessive inheritance. Affected: yes.

PreventionGenetics, part of Exact Sciences
Classification: Uncertain significance for BBS12-related condition. Last evaluated: 2024-05-31. Review status: no assertion criteria provided. Collection method: clinical testing. Allele origin: germline. Not counted in ClinVar's aggregate classification.
Comment: The BBS12 c.1372A>C variant is predicted to result in the amino acid substitution p.Thr458Pro. To our knowledge, this variant has not been reported in the literature. This variant is reported in 0.0058% of alleles in individuals of Latino descent in gnomAD. At this time, the clinical significance of this variant is uncertain due to the absence of conclusive functional and genetic evidence.

NM_152618.3(BBS12):c.1372A>C (p.Thr458Pro)

Gene: BBS12 (Bardet-Biedl syndrome 12; plus strand). Cytogenetic location: 4q27.
Variant type: single nucleotide variant.
Coding change: c.1372A>C on transcript NM_152618.3 (MANE Select); coding-DNA position 1372, A replaced by C.
Protein change: p.Thr458Pro; replaces threonine 458 with proline.
Molecular consequence: missense variant.
Genome position (GRCh38, 1-based): chr4:122,743,264, A>C. VCF-style: chr4-122743264-A-C. GRCh37 (hg19) VCF-style: chr4-123664419-A-C.
Other names: c.1372A>C, p.Thr458Pro (NM_001178007.2); c.1372A>C (NM_152618.2); short protein forms T458P.
Identifiers: ClinVar variation 2177301 (VCV002177301.3), dbSNP rs144714398, ClinGen allele CA3069432.